The following is an entry in ClinVar:

ClinVar aggregate classification (germline): Likely pathogenic (1 of 4 stars; one submission).

Conditions:
Nephronophthisis 4 (NPHP4). Also called: NEPHRONOPHTHISIS 4, JUVENILE. Identifiers: Orphanet 655, MedGen C1847013, MONDO:0011752, OMIM 606966.

Submission:

Laboratory of Medical Genetics, National & Kapodistrian University of Athens
Classification: Likely pathogenic for Nephronophthisis 4. Last evaluated: 2024-01-09. Review status: criteria provided, single submitter. Criteria: ACMG Guidelines, 2015. Collection method: clinical testing. Allele origin: germline. Affected: yes.
Comment: PVS1, PM2 - The variant is expected to result in an absent or disrupted protein product. Low frequency in gnomAD population databases.

NM_015102.5(NPHP4):c.1323_1324insTCACTCCGACTCCAGTTCTGGAACTGGA (p.Thr442fs)

Gene: NPHP4 (nephrocystin 4; minus strand). Cytogenetic location: 1p36.31.
Variant type: Insertion.
Coding change: c.1323_1324insTCACTCCGACTCCAGTTCTGGAACTGGA on transcript NM_015102.5 (MANE Select); coding-DNA positions 1323 to 1324, TCACTCCGACTCCAGTTCTGGAACTGGA inserted.
Protein change: p.Thr442fs; shifts the reading frame from threonine 442.
Molecular consequence: frameshift variant. On other transcripts: 5 prime UTR variant (2), non-coding transcript variant (1).
Genome position: GRCh38 VCF-style: chr1-5927766-T-TTCCAGTTCCAGAACTGGAGTCGGAGTGA. GRCh37 (hg19) VCF-style: chr1-5987826-T-TTCCAGTTCCAGAACTGGAGTCGGAGTGA.
Other names: c.-44_-43insTCACTCCGACTCCAGTTCTGGAACTGGA (NM_001291593.2, NM_001291594.2); short protein forms T442fs.
Identifiers: ClinVar variation 3256581 (VCV003256581.1).